The following is an entry in ClinVar:

ClinVar aggregate classification (germline): Uncertain significance (1 of 4 stars; one submission).

Allele frequency attached by ClinVar (database versions not stated): gnomAD exomes below 0.00001; TOPMed below 0.00001.
gnomAD v4.1: 4 of 1,614,000 alleles (0.00025%); highest among the groups gnomAD compares: Non-Finnish European, 0.00034%; no homozygotes.

Submission:

GeneDx
Classification: Uncertain significance. Last evaluated: 2022-12-08. Review status: criteria provided, single submitter. Criteria: GeneDx Variant Classification Process June 2021. Collection method: clinical testing. Allele origin: germline. Affected: yes.
Comment: Not observed at significant frequency in large population cohorts (gnomAD); In silico analysis supports that this missense variant does not alter protein structure/function; Has not been previously published as pathogenic or benign to our knowledge

NM_015335.5(MED13L):c.896C>G (p.Ala299Gly)

Gene: MED13L (mediator complex subunit 13L; minus strand). Cytogenetic location: 12q24.21.
Variant type: single nucleotide variant.
Coding change: c.896C>G on transcript NM_015335.5 (MANE Select); coding-DNA position 896, C replaced by G.
Protein change: p.Ala299Gly; replaces alanine 299 with glycine.
Molecular consequence: missense variant.
Genome position (GRCh38, 1-based): chr12:116,019,337, G>C on the plus strand (C>G on the coding strand, the complement: MED13L is on the minus strand). VCF-style: chr12-116019337-G-C. GRCh37 (hg19) VCF-style: chr12-116457142-G-C.
Other names: short protein forms A299G.
Identifiers: ClinVar variation 2504836 (VCV002504836.1), dbSNP rs1879916394, ClinGen allele CA386899415.